The following is an entry in ClinVar:

NM_000051.4(ATM):c.7393A>G (p.Lys2465Glu)

Genes: C11orf65 (chromosome 11 open reading frame 65; minus strand), ATM (ATM serine/threonine kinase; plus strand). Cytogenetic location: 11q22.3.
Variant type: single nucleotide variant.
Coding change: c.7393A>G on transcript NM_000051.4 (MANE Select); coding-DNA position 7393, A replaced by G.
Protein change: p.Lys2465Glu; replaces lysine 2465 with glutamic acid.
Molecular consequence: missense variant. On other transcripts: intron variant (2).
Genome position (GRCh38, 1-based): chr11:108,330,299, A>G. VCF-style: chr11-108330299-A-G. GRCh37 (hg19) VCF-style: chr11-108201026-A-G.
Other names: c.7393A>G, p.Lys2465Glu (NM_001351834.2); c.641-21228T>C (NM_001330368.2); c.*38+4921T>C (NM_001351110.2); short protein forms K2465E.
Identifiers: ClinVar variation 1758673 (VCV001758673.2), dbSNP rs2547262182, ClinGen allele CA382560071.
Genomic context (GRCh38, chr11:108,330,299, plus strand): 5'-CTGGAGTTGGATGAATTAGCCCTGCGTGCACTGAAAGAGGATCGTAAACGCTTCTTATGT[A>G]AAGCAGTTGAAAATTATATCAACTGCTTATTAAGTGGAGAAGAACATGATATGTGGGTAT-3'
Protein context (NP_000042.3, residues 2455-2475): LKEDRKRFLC[Lys2465Glu]AVENYINCLL

ClinVar aggregate classification (germline): Uncertain significance (1 of 4 stars; one submission).

Conditions:
Hereditary cancer-predisposing syndrome. Also called: Hereditary neoplastic syndrome; Neoplastic Syndromes, Hereditary; Tumor predisposition; Hereditary Cancer Syndrome. Identifiers: Orphanet 140162, MedGen C0027672, MeSH D009386, MONDO:0015356.

Allele frequency attached by ClinVar (database versions not stated): gnomAD exomes below 0.00001.
gnomAD v4.1: 2 of 1,614,204 alleles (0.00012%); highest among the groups gnomAD compares: African/African-American, 0.0013%; no homozygotes.

Submission:

Ambry Genetics
Classification: Uncertain significance for Hereditary cancer-predisposing syndrome. Last evaluated: 2022-03-02. Review status: criteria provided, single submitter. Criteria: Ambry Variant Classification Scheme 2023. Collection method: clinical testing. Allele origin: germline.
Comment: The p.K2465E variant (also known as c.7393A>G), located in coding exon 49 of the ATM gene, results from an A to G substitution at nucleotide position 7393. The lysine at codon 2465 is replaced by glutamic acid, an amino acid with similar properties. This amino acid position is conserved. In addition, the in silico prediction for this alteration is inconclusive. Since supporting evidence is limited at this time, the clinical significance of this alteration remains unclear.